The following is an entry in ClinVar:

NM_006178.4(NSF):c.1516G>A (p.Gly506Ser)

Genes: NSF (N-ethylmaleimide sensitive factor, vesicle fusing ATPase; plus strand), LRRC37A2 (leucine rich repeat containing 37 member A2). Cytogenetic location: 17q21.31.
Variant type: single nucleotide variant.
Coding change: c.1516G>A on transcript NM_006178.4 (MANE Select); coding-DNA position 1516, G replaced by A.
Protein change: p.Gly506Ser; replaces glycine 506 with serine.
Molecular consequence: missense variant. On other transcripts: non-coding transcript variant (1).
Genome position (GRCh38, 1-based): chr17:46,711,008, G>A. VCF-style: chr17-46711008-G-A. GRCh37 (hg19) VCF-style: chr17-44788374-G-A.
Other names: c.1516G>A (NM_006178.3); short protein forms G506S.
Identifiers: ClinVar variation 3025118 (VCV003025118.22), dbSNP rs376914472, ClinGen allele CA8620257.

ClinVar aggregate classification (germline): Conflicting classifications of pathogenicity. Review status: criteria provided, conflicting classifications (1 of 4 stars). 2 submissions from 2 submitters: Uncertain significance (1); Likely benign (1). Last evaluated 2025-11-20.

Allele frequency attached by ClinVar (database versions not stated): ESP Exome Variant Server 0.00008; ExAC 0.00010.
gnomAD v4.1: 49 of 1,596,538 alleles (0.0031%); highest among the groups gnomAD compares: East Asian, 0.0046%; no homozygotes.

Submissions (2):

Ambry Genetics
Classification: Uncertain significance. Last evaluated: 2025-11-20. Review status: criteria provided, single submitter. Criteria: Ambry Variant Classification Scheme 2023. Collection method: clinical testing. Allele origin: germline.

CeGaT Center for Human Genetics Tuebingen
Classification: Likely benign. Last evaluated: 2023-12-01. Review status: criteria provided, single submitter. Criteria: CeGaT Center For Human Genetics Tuebingen Variant Classification Criteria Version 2. Collection method: clinical testing. Allele origin: germline. Affected: yes. Observed: 1 variant allele.
Comment: NSF: BS2